The following is an entry in ClinVar:

ClinVar aggregate classification (germline): Likely pathogenic. Review status: criteria provided, multiple submitters, no conflicts (2 of 4 stars). 2 submissions from 2 submitters: Likely pathogenic (2). Last evaluated 2025-10-20.

Conditions:
Cardiovascular phenotype. Identifiers: MedGen CN230736.
Becker muscular dystrophy, Cardiomyopathy, Duchenne muscular dystrophy, Dystrophin deficiency.

Submissions (2):

Ambry Genetics
Classification: Likely pathogenic for Cardiovascular phenotype. Last evaluated: 2025-10-20. Review status: criteria provided, single submitter. Criteria: Ambry Variant Classification Scheme 2023. Collection method: clinical testing. Allele origin: germline.
Comment: The c.3432G>A variant (also known as p.Q1144Q), located in coding exon 25 of the DMD gene, results from a G to A substitution at nucleotide position 3432. This nucleotide substitution does not change the at codon 1144. However, this change occurs in the last base pair of coding exon 25, which makes it likely to have some effect on normal mRNA splicing. This variant was reported in individuals with features consistent with DMD-related dystrophinopathy (Sedl&aacute;ckov&aacute; J et al. Neuromuscul Disord, 2009 Nov;19:749-53; Bonati U et al. Muscle Nerve, 2015 Jun;51:918-21). Other variants impacting the same nucleotide position (c.3432G>T, c.3432G>C) have been identified in individuals with features consistent with DMD-related dystrophinopathy (Wei X et al. Eur J Hum Genet, 2014 Jan;22:110-8; Ambry internal data). This nucleotide position is highly conserved in available vertebrate species. In silico splice site analysis predicts that this alteration will weaken the native splice donor site. RNA studies on patient tissue demonstrated skipping of exon 25, though details were limited (Sedl&aacute;ckov&aacute; J et al. Neuromuscul Disord, 2009 Nov;19:749-53). This variant is considered to be rare based on population cohorts in the Genome Aggregation Database (gnomAD). Based on the majority of available evidence to date, this variant is likely to be pathogenic.

Natera, Inc.
Classification: Likely pathogenic for Becker muscular dystrophy, Cardiomyopathy, Duchenne muscular dystrophy, Dystrophin deficiency. Last evaluated: 2025-01-07. Review status: criteria provided, single submitter. Criteria: Natera Variant Classification Schema (03/2026). Collection method: clinical testing. Allele origin: germline.
Comment: The c.3432G>A variant in DMD is a synonymous variant that does not alter the encoded amino acid at position 1144 (p.Q1144=). This variant is rare in the general population with a frequency below the threshold expected for the associated phenotype(s). This variant has been observed in affected individual(s) with monoallelic occurrence (heterozygous/hemizygous) (PMID: 19783145). Computational prediction algorithms indicate this variant is likely to affect gene or protein function. Given the available evidence, this variant is classified as Likely Pathogenic.

Literature cited by the submitters: PubMed 19783145 (cited by Ambry Genetics and Natera, Inc.); PubMed 25736228 (cited by Ambry Genetics).

NM_004006.3(DMD):c.3432G>A (p.Gln1144=)

Gene: DMD (dystrophin; minus strand). Cytogenetic location: Xp21.1.
Variant type: single nucleotide variant.
Coding change: c.3432G>A on transcript NM_004006.3 (MANE Select); coding-DNA position 3432, G replaced by A.
Protein change: p.Gln1144=; no amino-acid change (glutamine 1144 retained).
Molecular consequence: synonymous variant.
Genome position (GRCh38, 1-based): chrX:32,463,439, C>T on the plus strand (G>A on the coding strand, the complement: DMD is on the minus strand). VCF-style: chrX-32463439-C-T. GRCh37 (hg19) VCF-style: chrX-32481556-C-T.
Other names: c.3408G>A, p.Gln1136= (NM_000109.4); c.3420G>A, p.Gln1140= (NM_004009.3); c.3063G>A, p.Gln1021= (NM_004010.3).
Identifiers: ClinVar variation 4066549 (VCV004066549.3).